The following is an entry in ClinVar:

NM_006206.6(PDGFRA):c.1630G>C (p.Val544Leu)

Gene: PDGFRA (platelet derived growth factor receptor alpha; plus strand). Cytogenetic location: 4q12.
Variant type: single nucleotide variant.
Coding change: c.1630G>C on transcript NM_006206.6 (MANE Select); coding-DNA position 1630, G replaced by C.
Protein change: p.Val544Leu; replaces valine 544 with leucine.
Molecular consequence: missense variant.
Genome position (GRCh38, 1-based): chr4:54,274,602, G>C. VCF-style: chr4-54274602-G-C. GRCh37 (hg19) VCF-style: chr4-55140769-G-C.
Other names: c.1630G>C, p.Val544Leu (NM_001347827.2, NM_001347829.2); c.1705G>C, p.Val569Leu (NM_001347828.2); c.1669G>C, p.Val557Leu (NM_001347830.2); short protein forms V544L, V557L, V569L.
Identifiers: ClinVar variation 3930231 (VCV003930231.1).

ClinVar aggregate classification (germline): Uncertain significance (1 of 4 stars; one submission).

Conditions:
Hereditary cancer-predisposing syndrome. Also called: Tumor predisposition; Hereditary neoplastic syndrome; Hereditary Cancer Syndrome; Neoplastic Syndromes, Hereditary. Identifiers: Orphanet 140162, MedGen C0027672, MeSH D009386, MONDO:0015356.

Submission:

Ambry Genetics
Classification: Uncertain significance for Hereditary cancer-predisposing syndrome. Last evaluated: 2025-06-06. Review status: criteria provided, single submitter. Criteria: Ambry Variant Classification Scheme 2023. Collection method: clinical testing. Allele origin: germline.
Comment: The p.V544L variant (also known as c.1630G>C), located in coding exon 10 of the PDGFRA gene, results from a G to C substitution at nucleotide position 1630. The valine at codon 544 is replaced by leucine, an amino acid with highly similar properties. This amino acid position is conserved. In addition, the in silico prediction for this alteration is inconclusive. Based on the available evidence, the clinical significance of this variant remains unclear.